The following is an entry in ClinVar:

NM_000287.4(PEX6):c.2132A>G (p.Gln711Arg)

Gene: PEX6 (peroxisomal biogenesis factor 6; minus strand). Cytogenetic location: 6p21.1.
Variant type: single nucleotide variant.
Coding change: c.2132A>G on transcript NM_000287.4 (MANE Select); coding-DNA position 2132, A replaced by G.
Protein change: p.Gln711Arg; replaces glutamine 711 with arginine.
Molecular consequence: missense variant.
Genome position (GRCh38, 1-based): chr6:42,966,410, T>C on the plus strand (A>G on the coding strand, the complement: PEX6 is on the minus strand). VCF-style: chr6-42966410-T-C. GRCh37 (hg19) VCF-style: chr6-42934148-T-C.
Other names: c.1868A>G, p.Gln623Arg (NM_001316313.2); short protein forms Q623R, Q711R.
Identifiers: ClinVar variation 1311801 (VCV001311801.2), dbSNP rs2114240042, ClinGen allele CA364152441.

ClinVar aggregate classification (germline): Uncertain significance (1 of 4 stars; one submission).

gnomAD v4.1: 2 of 1,614,102 alleles (0.00012%); highest among the groups gnomAD compares: South Asian, 0.0011%; no homozygotes.

Submission:

GeneDx
Classification: Uncertain significance. Last evaluated: 2019-09-18. Review status: criteria provided, single submitter. Criteria: GeneDx Variant Classification Process June 2021. Collection method: clinical testing. Allele origin: germline. Affected: yes.
Comment: Not observed in large population cohorts (Lek et al., 2016); In silico analysis, which includes protein predictors and evolutionary conservation, supports that this variant does not alter protein structure/function; Has not been previously published as pathogenic or benign to our knowledge